The following is an entry in ClinVar:

NM_003242.6(TGFBR2):c.16C>T (p.Leu6Phe)

Gene: TGFBR2 (transforming growth factor beta receptor 2; plus strand). Cytogenetic location: 3p24.1.
Variant type: single nucleotide variant.
Coding change: c.16C>T on transcript NM_003242.6 (MANE Select); coding-DNA position 16, C replaced by T.
Protein change: p.Leu6Phe; replaces leucine 6 with phenylalanine.
Molecular consequence: missense variant.
Genome position (GRCh38, 1-based): chr3:30,606,899, C>T. VCF-style: chr3-30606899-C-T. GRCh37 (hg19) VCF-style: chr3-30648391-C-T.
Other names: c.16C>T, p.Leu6Phe (NM_001024847.3, NM_001407126.1, NM_001407127.1 and 4 more transcripts); c.-268C>T (NM_001407133.1); c.-146C>T (NM_001407134.1); c.-193C>T (NM_001407135.1); c.-278C>T (NM_001407136.1); short protein forms L6F.
Identifiers: ClinVar variation 1983788 (VCV001983788.4), dbSNP rs2470443466, ClinGen allele CA351830483.
Genomic context (GRCh38, chr3:30,606,899, plus strand): 5'-CCGCTGCGCTGGGGGCTCGGTCTATGACGAGCAGCGGGGTCTGCCATGGGTCGGGGGCTG[C>T]TCAGGGGCCTGTGGCCGCTGCACATCGTCCTGTGGACGCGTATCGCCAGCACGATCCCAC-3'
Protein context (NP_003233.4, residues 1-16): MGRGL[Leu6Phe]RGLWPLHIVL

ClinVar aggregate classification (germline): Uncertain significance (1 of 4 stars; one submission).

Conditions:
Familial thoracic aortic aneurysm and aortic dissection (TAAD). Also called: Thoracic aortic aneurysms and dissections. Identifiers: Orphanet 91387, MedGen C4707243, MONDO:0019625.

Submission:

Labcorp Genetics (formerly Invitae), Labcorp
Classification: Uncertain significance for Familial thoracic aortic aneurysm and aortic dissection. Last evaluated: 2022-07-17. Review status: criteria provided, single submitter. Criteria: Invitae Variant Classification Sherloc (09022015). Collection method: clinical testing. Allele origin: germline.
Comment: This variant is not present in population databases (gnomAD no frequency). This variant has not been reported in the literature in individuals affected with TGFBR2-related conditions. In summary, the available evidence is currently insufficient to determine the role of this variant in disease. Therefore, it has been classified as a Variant of Uncertain Significance. Advanced modeling of protein sequence and biophysical properties (such as structural, functional, and spatial information, amino acid conservation, physicochemical variation, residue mobility, and thermodynamic stability) performed at Invitae indicates that this missense variant is not expected to disrupt TGFBR2 protein function. This sequence change replaces leucine, which is neutral and non-polar, with phenylalanine, which is neutral and non-polar, at codon 6 of the TGFBR2 protein (p.Leu6Phe).